The following is an entry in ClinVar:

ClinVar aggregate classification (germline): Uncertain significance (1 of 4 stars; one submission).

Conditions:
Wilson disease (WND). Also called: Wilson's disease. Identifiers: Orphanet 905, MedGen C0019202, MONDO:0010200, OMIM 277900. Disease mechanism: loss of function.

Submission:

All of Us Research Program, National Institutes of Health
Classification: Uncertain significance for Wilson disease. Last evaluated: 2023-12-13. Review status: criteria provided, single submitter. Criteria: ACMG Guidelines, 2015. Collection method: clinical testing. Allele origin: germline. Inheritance: Autosomal recessive inheritance. Observed: 1 variant allele, 1 heterozygote.
Comment: This missense variant replaces threonine with asparagine at codon 498 of the ATP7B protein. Computational prediction suggests that this variant may have deleterious impact on protein structure and function (internally defined REVEL score threshold >= 0.7, PMID: 27666373). To our knowledge, functional studies have not been reported for this variant. This variant has not been reported in individuals affected with ATP7B-related disorders in the literature. This variant has not been identified in the general population by the Genome Aggregation Database (gnomAD). The available evidence is insufficient to determine the role of this variant in disease conclusively. Therefore, this variant is classified as a Variant of Uncertain Significance.

This study involves interpretation of variants in research participants for the purpose of population health screening. Participant phenotype was not available at the time of variant classification. Additional details can be found in publication PMID: 35346344, PMCID: PMC8962531

NM_000053.4(ATP7B):c.1493C>A (p.Thr498Asn)

Gene: ATP7B (ATPase copper transporting beta; minus strand). Cytogenetic location: 13q14.3.
Variant type: single nucleotide variant.
Coding change: c.1493C>A on transcript NM_000053.4 (MANE Select); coding-DNA position 1493, C replaced by A.
Protein change: p.Thr498Asn; replaces threonine 498 with asparagine.
Molecular consequence: missense variant. On other transcripts: intron variant (1).
Genome position (GRCh38, 1-based): chr13:51,970,542, G>T on the plus strand (C>A on the coding strand, the complement: ATP7B is on the minus strand). VCF-style: chr13-51970542-G-T. GRCh37 (hg19) VCF-style: chr13-52544678-G-T.
Other names: c.1493C>A, p.Thr498Asn (NM_001406521.1, NM_001406534.1, NM_001406520.1 and 28 more transcripts); c.1397C>A, p.Thr466Asn (NM_001406543.1, NM_001406544.1, NM_001406530.1 and 3 more transcripts); c.1285+3393C>A (NM_001406548.1); c.1160C>A, p.Thr387Asn (NM_001243182.2); c.1064C>A, p.Thr355Asn (NM_001406539.1); short protein forms T355N, T387N, T466N, T498N.
Identifiers: ClinVar variation 3074795 (VCV003074795.1), dbSNP rs2139962593, ClinGen allele CA388035412.